The following is an entry in ClinVar:

NM_000384.3(APOB):c.2341G>T (p.Gly781Ter)

Gene: APOB (apolipoprotein B; minus strand). Cytogenetic location: 2p24.1.
Variant type: single nucleotide variant.
Coding change: c.2341G>T on transcript NM_000384.3 (MANE Select); coding-DNA position 2341, G replaced by T.
Protein change: p.Gly781Ter; replaces glycine 781 with a stop codon.
Molecular consequence: nonsense.
Genome position (GRCh38, 1-based): chr2:21,025,028, C>A on the plus strand (G>T on the coding strand, the complement: APOB is on the minus strand). VCF-style: chr2-21025028-C-A. GRCh37 (hg19) VCF-style: chr2-21247900-C-A.
Other names: short protein forms G781*.
Identifiers: ClinVar variation 2929243 (VCV002929243.3), dbSNP rs2465413229, ClinGen allele CA346011995.
Genomic context (GRCh38, chr2:21,025,028, plus strand): 5'-TCAGAAGCAGCTTTCCCAGGAGCTGGAGGTCATGGAGACTGGCAAAACCAAGCTCCTCTC[C>A]CAAGATGCGGAGGTAGGCTCTGGCTTCCGGGACTTCTTTGGATTTCAAATCTTTAATCAG-3'

ClinVar aggregate classification (germline): Pathogenic (1 of 4 stars; one submission).

Conditions:
Hypercholesterolemia, autosomal dominant, type B (FHCL2). Also called: APOB-Related Familial Hypercholesterolemia, Autosomal Dominant; Familial Hypercholesterolemia Type B; APOLIPOPROTEIN B-100, FAMILIAL DEFECTIVE; APOLIPOPROTEIN B-100, FAMILIAL LIGAND-DEFECTIVE; HYPERCHOLESTEROLEMIA, FAMILIAL, DUE TO LIGAND-DEFECTIVE APOLIPOPROTEIN B; Hyperlipoproteinemia Type IIb. Identifiers: MedGen C1704417, MONDO:0007751, OMIM 144010.
Familial hypobetalipoproteinemia 1. Also called: Hypobetalipoproteinemia, normotriglyceridemic; Acanthocytosis with hypobetalipoproteinemia; APOB-Related Familial Hypobetalipoproteinemia. Identifiers: MedGen C4551990, MONDO:0014252, OMIM 615558.

Allele frequency attached by ClinVar (database versions not stated): gnomAD exomes below 0.00001.
gnomAD v4.1: 2 of 1,614,250 alleles (0.00012%); highest among the groups gnomAD compares: Non-Finnish European, 0.00017%; no homozygotes.

Submission:

Labcorp Genetics (formerly Invitae), Labcorp
Classification: Pathogenic for Familial hypobetalipoproteinemia 1; Hypercholesterolemia, autosomal dominant, type B. Last evaluated: 2024-04-06. Review status: criteria provided, single submitter. Criteria: Invitae Variant Classification Sherloc (09022015). Collection method: clinical testing. Allele origin: germline.
Comment: This sequence change creates a premature translational stop signal (p.Gly781*) in the APOB gene. It is expected to result in an absent or disrupted protein product. Loss-of-function variants in APOB are known to be pathogenic (PMID: 20032471). This variant is not present in population databases (gnomAD no frequency). This variant has not been reported in the literature in individuals affected with APOB-related conditions. Algorithms developed to predict the effect of sequence changes on RNA splicing suggest that this variant may disrupt the consensus splice site. For these reasons, this variant has been classified as Pathogenic.

Literature cited by the submitters: PubMed 20032471.